The following is an entry in ClinVar:

NM_015340.4(LARS2):c.612G>T (p.Leu204=)

Gene: LARS2 (leucyl-tRNA synthetase 2, mitochondrial; plus strand). Cytogenetic location: 3p21.31.
Variant type: single nucleotide variant.
Coding change: c.612G>T on transcript NM_015340.4 (MANE Select); coding-DNA position 612, G replaced by T.
Protein change: p.Leu204=; no amino-acid change (leucine 204 retained).
Molecular consequence: synonymous variant.
Genome position (GRCh38, 1-based): chr3:45,458,748, G>T. VCF-style: chr3-45458748-G-T. GRCh37 (hg19) VCF-style: chr3-45500240-G-T.
Other names: c.612G>T, p.Leu204= (NM_001368263.1).
Identifiers: ClinVar variation 5036964 (VCV005036964.1).
Genomic context (GRCh38, chr3:45,458,748, plus strand): 5'-AAAAAAAAAAAGAGTACTCACCAGATTGTGCCATTTTGTTTCATGAATTATACAGGCCCT[G>T]GTTAACTGGGACCCAGTGGATCAAACAGTGCTTGCCAATGAGCAGGTGGATGAACATGGC-3'
Protein context (NP_056155.1, residues 194-214): EAGLAYQKEA[Leu204=]VNWDPVDQTV

ClinVar aggregate classification (germline): Uncertain significance (1 of 4 stars; one submission).

gnomAD v4.1: 2 of 1,614,132 alleles (0.00012%); highest among the groups gnomAD compares: Admixed American, 0.0033%; no homozygotes.

Submission:

GeneDx
Classification: Uncertain significance. Last evaluated: 2026-04-16. Review status: criteria provided, single submitter. Criteria: GeneDx Variant Classification Process June 2021. Collection method: clinical testing. Allele origin: germline.
Comment: Not observed at significant frequency in large population cohorts (gnomAD); In silico analysis suggests that this variant does not alter splicing; Has not been previously published as pathogenic or benign to our knowledge